The following is an entry in ClinVar:

NM_001457.4(FLNB):c.911A>G (p.Gln304Arg)

Gene: FLNB (filamin B; plus strand). Cytogenetic location: 3p14.3.
Variant type: single nucleotide variant.
Coding change: c.911A>G on transcript NM_001457.4 (MANE Select); coding-DNA position 911, A replaced by G.
Protein change: p.Gln304Arg; replaces glutamine 304 with arginine.
Molecular consequence: missense variant.
Genome position (GRCh38, 1-based): chr3:58,096,145, A>G. VCF-style: chr3-58096145-A-G. GRCh37 (hg19) VCF-style: chr3-58081872-A-G.
Other names: c.911A>G (NM_001457.3); c.911A>G, p.Gln304Arg (NM_001164317.2, NM_001164318.2, NM_001164319.2); short protein forms Q304R.
Identifiers: ClinVar variation 1979021 (VCV001979021.5), dbSNP rs147591946, ClinGen allele CA2467667.

ClinVar aggregate classification (germline): Conflicting classifications of pathogenicity. Review status: criteria provided, conflicting classifications (1 of 4 stars). 2 submissions from 2 submitters: Uncertain significance (1); Likely benign (1). Last evaluated 2025-12-11.

Allele frequency attached by ClinVar (database versions not stated): gnomAD exomes 0.00003; ExAC 0.00004; gnomAD 0.00005; TOPMed 0.00005; ESP Exome Variant Server 0.00023.
gnomAD v4.1: 54 of 1,613,462 alleles (0.0033%); highest among the groups gnomAD compares: Admixed American, 0.0033%; no homozygotes.

Submissions (2):

Labcorp Genetics (formerly Invitae), Labcorp
Classification: Likely benign. Last evaluated: 2025-12-11. Review status: criteria provided, single submitter. Criteria: Invitae Variant Classification Sherloc (09022015). Collection method: clinical testing. Allele origin: germline.

GeneDx
Classification: Uncertain significance. Last evaluated: 2024-10-28. Review status: criteria provided, single submitter. Criteria: GeneDx Variant Classification Process June 2021. Collection method: clinical testing. Allele origin: germline. Affected: yes.
Comment: In silico analysis indicates that this missense variant does not alter protein structure/function; Has not been previously published as pathogenic or benign to our knowledge